The following is an entry in ClinVar:

NM_001458.5(FLNC):c.5035A>G (p.Thr1679Ala)

Gene: FLNC (filamin C; plus strand). Cytogenetic location: 7q32.1.
Variant type: single nucleotide variant.
Coding change: c.5035A>G on transcript NM_001458.5 (MANE Select); coding-DNA position 5035, A replaced by G.
Protein change: p.Thr1679Ala; replaces threonine 1679 with alanine.
Molecular consequence: missense variant.
Genome position (GRCh38, 1-based): chr7:128,849,414, A>G. VCF-style: chr7-128849414-A-G. GRCh37 (hg19) VCF-style: chr7-128489468-A-G.
Other names: c.5035A>G, p.Thr1679Ala (NM_001127487.2); short protein forms T1679A.
Identifiers: ClinVar variation 1744914 (VCV001744914.2), dbSNP rs2536650452, ClinGen allele CA369204037.

ClinVar aggregate classification (germline): Uncertain significance (1 of 4 stars; one submission).

Conditions:
Cardiovascular phenotype. Identifiers: MedGen CN230736.

Submission:

Ambry Genetics
Classification: Uncertain significance for Cardiovascular phenotype. Last evaluated: 2021-09-07. Review status: criteria provided, single submitter. Criteria: Ambry Variant Classification Scheme 2023. Collection method: clinical testing. Allele origin: germline.
Comment: The p.T1679A variant (also known as c.5035A>G), located in coding exon 30 of the FLNC gene, results from an A to G substitution at nucleotide position 5035. The threonine at codon 1679 is replaced by alanine, an amino acid with similar properties. This amino acid position is conserved. In addition, this alteration is predicted to be deleterious by in silico analysis. Since supporting evidence is limited at this time, the clinical significance of this alteration remains unclear.